The following is an entry in ClinVar:

NM_001104631.2(PDE4D):c.1029A>C (p.Glu343Asp)

Gene: PDE4D (phosphodiesterase 4D; minus strand). Cytogenetic location: 5q11.2.
Variant type: single nucleotide variant.
Coding change: c.1029A>C on transcript NM_001104631.2 (MANE Select); coding-DNA position 1029, A replaced by C.
Protein change: p.Glu343Asp; replaces glutamic acid 343 with aspartic acid.
Molecular consequence: missense variant.
Genome position (GRCh38, 1-based): chr5:58,991,991, T>G on the plus strand (A>C on the coding strand, the complement: PDE4D is on the minus strand). VCF-style: chr5-58991991-T-G. GRCh37 (hg19) VCF-style: chr5-58287818-T-G.
Other names: c.846A>C, p.Glu282Asp (NM_001165899.2, NM_001364599.1); c.123A>C, p.Glu41Asp (NM_001364603.1, NM_001197221.2); c.261A>C, p.Glu87Asp (NM_001364604.1, NM_001349243.2); c.621A>C, p.Glu207Asp (NM_006203.5); c.837A>C, p.Glu279Asp (NM_001197218.2); c.663A>C, p.Glu221Asp (NM_001197219.2); c.639A>C, p.Glu213Asp (NM_001197220.2); c.357A>C, p.Glu119Asp (NM_001197222.2); and 3 more; short protein forms E119D, E207D, E213D, E221D, E233D, E272D, E279D, E282D.
Identifiers: ClinVar variation 3627883 (VCV003627883.2).

ClinVar aggregate classification (germline): Uncertain significance (1 of 4 stars; one submission).

gnomAD v4.1: 53 of 1,570,446 alleles (0.0034%); highest among the groups gnomAD compares: Non-Finnish European, 0.0044%; no homozygotes.

Submission:

Labcorp Genetics (formerly Invitae), Labcorp
Classification: Uncertain significance. Last evaluated: 2024-04-25. Review status: criteria provided, single submitter. Criteria: Invitae Variant Classification Sherloc (09022015). Collection method: clinical testing. Allele origin: germline.
Comment: This sequence change replaces glutamic acid, which is acidic and polar, with aspartic acid, which is acidic and polar, at codon 343 of the PDE4D protein (p.Glu343Asp). This variant is present in population databases (rs753598558, gnomAD 0.003%). This variant has not been reported in the literature in individuals affected with PDE4D-related conditions. Advanced modeling of protein sequence and biophysical properties (such as structural, functional, and spatial information, amino acid conservation, physicochemical variation, residue mobility, and thermodynamic stability) performed at Invitae indicates that this missense variant is not expected to disrupt PDE4D protein function with a negative predictive value of 80%. Algorithms developed to predict the effect of sequence changes on RNA splicing suggest that this variant may create or strengthen a splice site. In summary, the available evidence is currently insufficient to determine the role of this variant in disease. Therefore, it has been classified as a Variant of Uncertain Significance.